The following is an entry in ClinVar:

NM_001034853.2(RPGR):c.2762_2763insA (p.Glu922fs)

Gene: RPGR (retinitis pigmentosa GTPase regulator; minus strand). Cytogenetic location: Xp11.4.
Variant type: Insertion.
Coding change: c.2762_2763insA on transcript NM_001034853.2 (MANE Select); coding-DNA positions 2762 to 2763, A inserted.
Protein change: p.Glu922fs; shifts the reading frame from glutamic acid 922.
Molecular consequence: frameshift variant. On other transcripts: intron variant (8).
Genome position: GRCh38 VCF-style: chrX-38286236-C-CT. GRCh37 (hg19) VCF-style: chrX-38145489-C-CT.
Other names: c.1569+4722_1569+4723insA (NM_001367249.1, NM_001367250.1); c.1902+857_1902+858insA (NM_001367245.1); c.1386+4722_1386+4723insA (NM_001367251.1); c.1719+857_1719+858insA (NM_001367246.1); c.1572+4722_1572+4723insA (NM_001367247.1); c.1905+857_1905+858insA (NM_000328.3); c.1602+4722_1602+4723insA (NM_001367248.1); short protein forms E922fs.
Identifiers: ClinVar variation 4720884 (VCV004720884.1).

ClinVar aggregate classification (germline): Pathogenic (1 of 4 stars; one submission).

Conditions:
Primary ciliary dyskinesia. Also called: Ciliary dyskinesia. Identifiers: Orphanet 244, MedGen C0008780, MONDO:0016575, HP:0012265.

Submission:

Labcorp Genetics (formerly Invitae), Labcorp
Classification: Pathogenic for Primary ciliary dyskinesia. Last evaluated: 2025-06-06. Review status: criteria provided, single submitter. Criteria: Invitae Variant Classification Sherloc (09022015). Collection method: clinical testing. Allele origin: germline.
Comment: This sequence change creates a premature translational stop signal (p.Glu922Glyfs*157) in the RPGR (ORF15) gene. While this is not anticipated to result in nonsense mediated decay, it is expected to disrupt the last 231 amino acid(s) of the RPGR (ORF15) protein. This variant is not present in population databases (gnomAD no frequency). This variant has not been reported in the literature in individuals affected with RPGR (ORF15)-related conditions. This variant disrupts a region of the RPGR (ORF15) protein in which other variant(s) (p.Leu1130Lysfs*13) have been determined to be pathogenic (internal data). This suggests that this is a clinically significant region of the protein, and that variants that disrupt it are likely to be disease-causing. For these reasons, this variant has been classified as Pathogenic.